The following is an entry in ClinVar:

ClinVar aggregate classification (germline): Uncertain significance (1 of 4 stars; one submission).

Conditions:
Mitochondrial trifunctional protein deficiency. Identifiers: Orphanet 746, MedGen C1969443, MONDO:0012172.
Long chain 3-hydroxyacyl-CoA dehydrogenase deficiency. Also called: Deficiency of long-chain 3-hydroxyacyl-coenzyme A dehydrogenase; LCHAD Deficiency. Identifiers: Orphanet 5, MedGen C3711645, MONDO:0012173, OMIM 609016.

gnomAD v4.1: 2 of 1,606,908 alleles (0.00012%); highest among the groups gnomAD compares: Non-Finnish European, 0.00017%; no homozygotes.

Submission:

Labcorp Genetics (formerly Invitae), Labcorp
Classification: Uncertain significance for Mitochondrial trifunctional protein deficiency; Long chain 3-hydroxyacyl-CoA dehydrogenase deficiency. Last evaluated: 2021-10-29. Review status: criteria provided, single submitter. Criteria: Invitae Variant Classification Sherloc (09022015). Collection method: clinical testing. Allele origin: germline.
Comment: This sequence change replaces isoleucine, which is neutral and non-polar, with serine, which is neutral and polar, at codon 54 of the HADHA protein (p.Ile54Ser). This variant is not present in population databases (gnomAD no frequency). This variant has not been reported in the literature in individuals affected with HADHA-related conditions. Advanced modeling of protein sequence and biophysical properties (such as structural, functional, and spatial information, amino acid conservation, physicochemical variation, residue mobility, and thermodynamic stability) performed at Invitae indicates that this missense variant is not expected to disrupt HADHA protein function. Algorithms developed to predict the effect of sequence changes on RNA splicing suggest that this variant may create or strengthen a splice site. In summary, the available evidence is currently insufficient to determine the role of this variant in disease. Therefore, it has been classified as a Variant of Uncertain Significance.

NM_000182.5(HADHA):c.161T>G (p.Ile54Ser)

Gene: HADHA (hydroxyacyl-CoA dehydrogenase trifunctional multienzyme complex subunit alpha; minus strand). Cytogenetic location: 2p23.3.
Variant type: single nucleotide variant.
Coding change: c.161T>G on transcript NM_000182.5 (MANE Select); coding-DNA position 161, T replaced by G.
Protein change: p.Ile54Ser; replaces isoleucine 54 with serine.
Molecular consequence: missense variant.
Genome position (GRCh38, 1-based): chr2:26,238,953, A>C on the plus strand (T>G on the coding strand, the complement: HADHA is on the minus strand). VCF-style: chr2-26238953-A-C. GRCh37 (hg19) VCF-style: chr2-26461821-A-C.
Other names: short protein forms I54S.
Identifiers: ClinVar variation 1445758 (VCV001445758.3), dbSNP rs2147785483, ClinGen allele CA346095216.